The following is an entry in ClinVar:

ClinVar aggregate classification (germline): Uncertain significance (1 of 4 stars; one submission).

Allele frequency attached by ClinVar (database versions not stated): TOPMed below 0.00001; gnomAD exomes 0.00002; ExAC 0.00003.
gnomAD v4.1: 25 of 1,603,826 alleles (0.0016%); highest among the groups gnomAD compares: East Asian, 0.016%; no homozygotes.

Submission:

Labcorp Genetics (formerly Invitae), Labcorp
Classification: Uncertain significance. Last evaluated: 2022-06-02. Review status: criteria provided, single submitter. Criteria: Invitae Variant Classification Sherloc (09022015). Collection method: clinical testing. Allele origin: germline.
Comment: In summary, the available evidence is currently insufficient to determine the role of this variant in disease. Therefore, it has been classified as a Variant of Uncertain Significance. Algorithms developed to predict the effect of missense changes on protein structure and function are either unavailable or do not agree on the potential impact of this missense change (SIFT: "Not Available"; PolyPhen-2: "Benign"; Align-GVGD: "Not Available"). This variant has not been reported in the literature in individuals affected with IFT52-related conditions. This variant is present in population databases (rs745872163, gnomAD 0.01%). This sequence change replaces threonine, which is neutral and polar, with methionine, which is neutral and non-polar, at codon 359 of the IFT52 protein (p.Thr359Met).

NM_016004.5(IFT52):c.1076C>T (p.Thr359Met)

Gene: IFT52 (intraflagellar transport 52; plus strand). Cytogenetic location: 20q13.12.
Variant type: single nucleotide variant.
Coding change: c.1076C>T on transcript NM_016004.5 (MANE Select); coding-DNA position 1076, C replaced by T.
Protein change: p.Thr359Met; replaces threonine 359 with methionine.
Molecular consequence: missense variant.
Genome position (GRCh38, 1-based): chr20:43,637,209, C>T. VCF-style: chr20-43637209-C-T. GRCh37 (hg19) VCF-style: chr20-42265849-C-T.
Other names: c.1076C>T, p.Thr359Met (NM_001303458.3, NM_001303459.3); c.548C>T, p.Thr183Met (NM_001323578.2, NM_001323580.2); c.425C>T, p.Thr142Met (NM_001323579.2, NM_001323581.2); short protein forms T142M, T359M, T183M.
Identifiers: ClinVar variation 1908887 (VCV001908887.5), dbSNP rs745872163, ClinGen allele CA9867092.